The following is an entry in ClinVar:

NM_020461.4(TUBGCP6):c.3019C>T (p.His1007Tyr)

Gene: TUBGCP6 (tubulin gamma complex component 6; minus strand). Cytogenetic location: 22q13.33.
Variant type: single nucleotide variant.
Coding change: c.3019C>T on transcript NM_020461.4 (MANE Select); coding-DNA position 3019, C replaced by T.
Protein change: p.His1007Tyr; replaces histidine 1007 with tyrosine.
Molecular consequence: missense variant.
Genome position (GRCh38, 1-based): chr22:50,221,340, G>A on the plus strand (C>T on the coding strand, the complement: TUBGCP6 is on the minus strand). VCF-style: chr22-50221340-G-A. GRCh37 (hg19) VCF-style: chr22-50659769-G-A.
Other names: short protein forms H1007Y.
Identifiers: ClinVar variation 2178949 (VCV002178949.4), dbSNP rs80121348, ClinGen allele CA10308071.

ClinVar aggregate classification (germline): Uncertain significance (1 of 4 stars; one submission).

Allele frequency attached by ClinVar (database versions not stated): gnomAD exomes below 0.00001; TOPMed below 0.00001; ExAC 0.00001.
gnomAD v4.1: 1 of 1,612,896 alleles (0.000062%); highest among the groups gnomAD compares: Non-Finnish European, 0.000085%; no homozygotes.

Submission:

Labcorp Genetics (formerly Invitae), Labcorp
Classification: Uncertain significance. Last evaluated: 2022-02-06. Review status: criteria provided, single submitter. Criteria: Invitae Variant Classification Sherloc (09022015). Collection method: clinical testing. Allele origin: germline.
Comment: In summary, the available evidence is currently insufficient to determine the role of this variant in disease. Therefore, it has been classified as a Variant of Uncertain Significance. Algorithms developed to predict the effect of missense changes on protein structure and function output the following: SIFT: "Deleterious"; PolyPhen-2: "Benign"; Align-GVGD: "Class C0". The tyrosine amino acid residue is found in multiple mammalian species, which suggests that this missense change does not adversely affect protein function. This variant has not been reported in the literature in individuals affected with TUBGCP6-related conditions. This variant is present in population databases (rs80121348, gnomAD 0.0009%). This sequence change replaces histidine, which is basic and polar, with tyrosine, which is neutral and polar, at codon 1007 of the TUBGCP6 protein (p.His1007Tyr).